The following is an entry in ClinVar:

ClinVar aggregate classification (germline): Benign/Likely benign. Review status: criteria provided, multiple submitters, no conflicts (2 of 4 stars). 12 submissions from 12 submitters: Benign (6); Likely benign (1). 5 of the submissions do not count toward it. Last evaluated 2026-02-02.

Conditions:
PRDM16-related disorder. Also called: PRDM16-related condition.
Left ventricular noncompaction 8 (LVNC8). Identifiers: Orphanet 154, Orphanet 54260, MedGen C3809288, MONDO:0014152, OMIM 615373.
Cardiomyopathy, dilated, 1LL. Identifiers: MedGen C3809289, MONDO:0800367.

Allele frequency attached by ClinVar (database versions not stated): gnomAD 0.00009 and 0.00081; TOPMed 0.00023; gnomAD exomes 0.00317 and 0.00153; 1000 Genomes Project 30x 0.00328; ExAC 0.00357; 1000 Genomes Project 0.00300.
gnomAD v4.1: 2,409 of 1,614,114 alleles (0.15%); highest among the groups gnomAD compares: South Asian, 2.4%; 46 homozygotes.

Submissions (12):

Labcorp Genetics (formerly Invitae), Labcorp
Classification: Benign for Left ventricular noncompaction 8. Last evaluated: 2026-02-02. Review status: criteria provided, single submitter. Criteria: Invitae Variant Classification Sherloc (09022015). Collection method: clinical testing. Allele origin: germline.

Women's Health and Genetics/Laboratory Corporation of America, LabCorp
Classification: Likely benign. Last evaluated: 2026-01-26. Review status: criteria provided, single submitter. Criteria: LabCorp Variant Classification Summary - May 2015. Collection method: clinical testing. Allele origin: germline.

CeGaT Center for Human Genetics Tuebingen
Classification: Benign. Last evaluated: 2024-02-01. Review status: criteria provided, single submitter. Criteria: CeGaT Center For Human Genetics Tuebingen Variant Classification Criteria Version 2. Collection method: clinical testing. Allele origin: germline. Affected: yes. Observed: 1 variant allele.
Comment: PRDM16: BP4, BS1, BS2

Mayo Clinic Laboratories, Mayo Clinic
Classification: Benign. Last evaluated: 2023-08-25. Review status: criteria provided, single submitter. Criteria: ACMG Guidelines, 2015. Collection method: clinical testing. Allele origin: germline. Observed: 3 variant alleles.
Comment: BS1, BS2, BP4

GeneDx
Classification: Benign. Last evaluated: 2018-10-19. Review status: criteria provided, single submitter. Criteria: GeneDx Variant Classification Process June 2021. Collection method: clinical testing. Allele origin: germline. Affected: yes.
Comment: This variant is associated with the following publications: (PMID: 27896284, 27535533, 24387995, 23768516)

Laboratory for Molecular Medicine, Mass General Brigham Personalized Medicine
Classification: Benign. Last evaluated: 2015-04-29. Review status: criteria provided, single submitter. Criteria: LMM Criteria. Collection method: clinical testing. Allele origin: germline. Observed: 2 variant alleles.
Comment: p.Val1101Met in exon 15 of PRDM16: This variant is not expected to have clinical significance because it has been identified in 2.6% (422/16468) of South Asian chromosomes by the Exome Aggregation Consortium (ExAC; dbSNP rs201654872).

Broad Center for Mendelian Genomics, Broad Institute of MIT and Harvard
Classification: Benign for Left ventricular noncompaction 8. Review status: criteria provided, single submitter. Criteria: ACMG Guidelines, 2015. Collection method: research. Allele origin: germline. Inheritance: Autosomal dominant inheritance. Affected: yes.
Comment: The heterozygous p.Val1101Met variant in PRDM16 has been identified in 2 individuals with dilated cardiomyopathy (PMID: 23768516), and has been identified in >2% of South Asian chromosomes and 7 homozygotes by ExAC. In summary, this variant meets criteria to be classified as benign for autosomal dominant dilated cardiomyopathy.

PreventionGenetics, part of Exact Sciences
Classification: Benign for PRDM16-related condition. Last evaluated: 2024-06-20. Review status: no assertion criteria provided. Collection method: clinical testing. Allele origin: germline. Not counted in ClinVar's aggregate classification.
Comment: This variant is classified as benign based on ACMG/AMP sequence variant interpretation guidelines (Richards et al. 2015 PMID: 25741868, with internal and published modifications).

OMIM
Classification: Uncertain significance for RECLASSIFIED - VARIANT OF UNKNOWN SIGNIFICANCE. Last evaluated: 2013-07-11. Review status: no assertion criteria provided. Collection method: literature only. Allele origin: germline. Not counted in ClinVar's aggregate classification.

Clinical Genetics DNA and cytogenetics Diagnostics Lab, Erasmus MC, Erasmus Medical Center
Classification: Benign. Review status: no assertion criteria provided. Collection method: clinical testing. Allele origin: germline. Affected: yes. Study: VKGL Data-share Consensus. Not counted in ClinVar's aggregate classification.

Clinical Genetics, Academic Medical Center
Classification: Benign. Review status: no assertion criteria provided. Collection method: clinical testing. Allele origin: germline. Affected: yes. Study: VKGL Data-share Consensus. Not counted in ClinVar's aggregate classification.

Genome Diagnostics Laboratory, University Medical Center Utrecht
Classification: Likely benign. Review status: no assertion criteria provided. Collection method: clinical testing. Allele origin: germline. Affected: yes. Study: VKGL Data-share Consensus. Not counted in ClinVar's aggregate classification.

Literature cited by the submitters: PubMed 23768516 (cited by Broad Center for Mendelian Genomics, Broad Institute of MIT and Harvard and OMIM); PubMed 27535533 (cited by OMIM).

NM_022114.4(PRDM16):c.3301G>A (p.Val1101Met)

Gene: PRDM16 (PR/SET domain 16; plus strand). Cytogenetic location: 1p36.32.
Variant type: single nucleotide variant.
Coding change: c.3301G>A on transcript NM_022114.4 (MANE Select); coding-DNA position 3301, G replaced by A.
Protein change: p.Val1101Met; replaces valine 1101 with methionine.
Molecular consequence: missense variant.
Genome position (GRCh38, 1-based): chr1:3,430,888, G>A. VCF-style: chr1-3430888-G-A. GRCh37 (hg19) VCF-style: chr1-3347452-G-A.
Other names: c.3301G>A, p.Val1101Met (NM_199454.3); short protein forms V1101M.
Identifiers: ClinVar variation 60727 (VCV000060727.46), dbSNP rs201654872, ClinGen allele CA144645.
Genomic context (GRCh38, chr1:3,430,888, plus strand): 5'-CAGAGACACCCAAACTCAGTCAATCTCCTCCTGCATCATTTCAGGGCGGACATGCAGATC[G>A]TGGACGGCAGTGCCCAGTGTCCAGGCCTAGCCAGTGAGAAGCAGGAGGACGTGGAGGAGG-3'
Protein context (NP_071397.3, residues 1091-1111): RTEKRADMQI[Val1101Met]DGSAQCPGLA